The following is an entry in ClinVar:

NM_015506.3(MMACHC):c.544T>C (p.Cys182Arg)

Gene: MMACHC (metabolism of cobalamin associated C; plus strand). Cytogenetic location: 1p34.1.
Variant type: single nucleotide variant.
Coding change: c.544T>C on transcript NM_015506.3 (MANE Select); coding-DNA position 544, T replaced by C.
Protein change: p.Cys182Arg; replaces cysteine 182 with arginine.
Molecular consequence: missense variant.
Genome position (GRCh38, 1-based): chr1:45,508,910, T>C. VCF-style: chr1-45508910-T-C. GRCh37 (hg19) VCF-style: chr1-45974582-T-C.
Other names: c.373T>C, p.Cys125Arg (NM_001330540.2); short protein forms C182R, C125R.
Identifiers: ClinVar variation 551269 (VCV000551269.8), dbSNP rs955468279, ClinGen allele CA21829729.

ClinVar aggregate classification (germline): Conflicting classifications of pathogenicity. Review status: criteria provided, conflicting classifications (1 of 4 stars). 6 submissions from 6 submitters: Likely pathogenic (1); Uncertain significance (4). 1 of the submissions does not count toward it. Last evaluated 2025-07-28.

Conditions:
Cobalamin C disease. Also called: Cobalamin-C methylmalonic acidemia and homocystinuria; Methylmalonic acidemia and homocystinuria cblC type; Methylmalonic aciduria and homocystinuria, Vitamin B12-responsive; Vitamin B12 metabolic defect with combined deficiency of methylmalonyl-CoA mutase and homocysteine:methyltetrahydrofolate methyltransferase; methylmalonic aciduria and homocystinuria type cblC; Methylmalonic aciduria with homocystinuria cblC type. Identifiers: Orphanet 26, Orphanet 79282, MedGen C1848561, MONDO:0010184, OMIM 277400.

Allele frequency attached by ClinVar (database versions not stated): gnomAD exomes below 0.00001 and 0.00001; TOPMed 0.00001.
gnomAD v4.1: 12 of 1,614,150 alleles (0.00074%); highest among the groups gnomAD compares: Middle Eastern, 0.017%; no homozygotes.

Submissions (6):

GeneDx
Classification: Uncertain significance. Last evaluated: 2025-07-28. Review status: criteria provided, single submitter. Criteria: GeneDx Variant Classification Process June 2021. Collection method: clinical testing. Allele origin: germline. Affected: yes.
Comment: Not observed at significant frequency in large population cohorts (gnomAD); In silico analysis supports that this missense variant has a deleterious effect on protein structure/function; This variant is associated with the following publications: (PMID: 27252276, 18164228, 36105582)

Victorian Clinical Genetics Services, Murdoch Childrens Research Institute
Classification: Uncertain significance for Cobalamin C disease. Last evaluated: 2024-10-09. Review status: criteria provided, single submitter. Criteria: ACMG Guidelines, 2015. Collection method: clinical testing. Allele origin: germline. Inheritance: Autosomal recessive inheritance.
Comment: Based on the classification scheme VCGS_Germline_v1.3.4, this variant is classified as VUS-3A. Following criteria are met: 0102 - Loss of function is a known mechanism of disease in this gene and is associated with methylmalonic aciduria and homocystinuria, cblC type (MIM#277400). (I) 0106 - This gene is associated with autosomal recessive disease. (I) 0200 - Variant is predicted to result in a missense amino acid change from cysteine to arginine. (I) 0251 - This variant is heterozygous. (I) 0304 - Variant is present in gnomAD (v2) <0.01 for a recessive condition (1 heterozygote, 0 homozygotes). (SP) 0309 - Multiple alternative amino acid changes at the same position have been observed in gnomAD (v2) (highest allele count: 4 heterozygotes, 0 homozygotes). (I) 0501 - Missense variant consistently predicted to be damaging by multiple in silico tools or highly conserved with a major amino acid change. (SP) 0600 - Variant is located in the annotated methylmalonic aciduria and homocystinuria type C family domain (DECIPHER). (I) 0710 - Another missense variant comparable to the one identified in this case has inconclusive previous evidence for pathogenicity. p.(Cys182Tyr) has been classified as a VUS by multiple clinical laboratories in ClinVar. (I) 0809 - Previous evidence of pathogenicity for this variant is inconclusive. This variant has been classified as a VUS by several clinical laboratories in ClinVar and has been observed as compound heterozygous in an individual with cblC type methylmalonic aciduria and homocystinuria (PMIDs: 27252276, 18164228). (I) 0905 - No published segregation evidence has been identified for this variant. (I) 1007 - No published functional evidence has been identified for this variant. (I) Legend: (SP) - Supporting pathogenic, (I) - Information, (SB) - Supporting benign

Blueprint Genetics
Classification: Uncertain significance. Last evaluated: 2024-09-11. Review status: criteria provided, single submitter. Criteria: ACMG Guidelines, 2015. Collection method: clinical testing. Allele origin: germline.

Fulgent Genetics
Classification: Likely pathogenic for Cobalamin C disease. Last evaluated: 2024-06-10. Review status: criteria provided, single submitter. Criteria: ACMG Guidelines, 2015. Collection method: clinical testing. Allele origin: germline.

Genome-Nilou Lab
Classification: Uncertain significance for Cobalamin C disease. Last evaluated: 2023-04-11. Review status: criteria provided, single submitter. Criteria: ACMG Guidelines, 2015. Collection method: clinical testing. Allele origin: germline. Affected: no.

Counsyl
Classification: Uncertain significance for Cobalamin C disease. Last evaluated: 2017-03-28. Review status: no assertion criteria provided. Collection method: clinical testing. Allele origin: unknown. Not counted in ClinVar's aggregate classification.

Literature cited by the submitters: PubMed 18164228 (cited by Victorian Clinical Genetics Services, Murdoch Childrens Research Institute and Counsyl); PubMed 27252276 (cited by Victorian Clinical Genetics Services, Murdoch Childrens Research Institute and Counsyl).